The following is an entry in ClinVar:

NM_001330700.2(TOP2B):c.3404C>T (p.Ser1135Leu)

Gene: TOP2B (DNA topoisomerase II beta; minus strand). Cytogenetic location: 3p24.2.
Variant type: single nucleotide variant.
Coding change: c.3404C>T on transcript NM_001330700.2 (MANE Select); coding-DNA position 3404, C replaced by T.
Protein change: p.Ser1135Leu; replaces serine 1135 with leucine.
Molecular consequence: missense variant.
Genome position (GRCh38, 1-based): chr3:25,615,534, G>A on the plus strand (C>T on the coding strand, the complement: TOP2B is on the minus strand). VCF-style: chr3-25615534-G-A. GRCh37 (hg19) VCF-style: chr3-25657025-G-A.
Other names: c.3389C>T, p.Ser1130Leu (NM_001068.3); short protein forms S1130L, S1135L.
Identifiers: ClinVar variation 4718471 (VCV004718471.1).

ClinVar aggregate classification (germline): Uncertain significance (1 of 4 stars; one submission).

Submission:

Labcorp Genetics (formerly Invitae), Labcorp
Classification: Uncertain significance. Last evaluated: 2025-07-14. Review status: criteria provided, single submitter. Criteria: Invitae Variant Classification Sherloc (09022015). Collection method: clinical testing. Allele origin: germline.
Comment: This sequence change replaces serine, which is neutral and polar, with leucine, which is neutral and non-polar, at codon 1130 of the TOP2B protein (p.Ser1130Leu). This variant is not present in population databases (gnomAD no frequency). This variant has not been reported in the literature in individuals affected with TOP2B-related conditions. An algorithm developed to predict the effect of missense changes on protein structure and function (PolyPhen-2) suggests that this variant is likely to be tolerated. In summary, the available evidence is currently insufficient to determine the role of this variant in disease. Therefore, it has been classified as a Variant of Uncertain Significance.